The following is an entry in ClinVar:

NM_001286.5(CLCN6):c.1918C>A (p.Arg640Ser)

Gene: CLCN6 (chloride voltage-gated channel 6; plus strand). Cytogenetic location: 1p36.22.
Variant type: single nucleotide variant.
Coding change: c.1918C>A on transcript NM_001286.5 (MANE Select); coding-DNA position 1918, C replaced by A.
Protein change: p.Arg640Ser; replaces arginine 640 with serine.
Molecular consequence: missense variant. On other transcripts: non-coding transcript variant (1).
Genome position (GRCh38, 1-based): chr1:11,836,091, C>A. VCF-style: chr1-11836091-C-A. GRCh37 (hg19) VCF-style: chr1-11896148-C-A.
Other names: c.1852C>A, p.Arg618Ser (NM_001256959.2); short protein forms R640S, R618S.
Identifiers: ClinVar variation 1954078 (VCV001954078.5), dbSNP rs770239210, ClinGen allele CA596646.

ClinVar aggregate classification (germline): Uncertain significance (1 of 4 stars; one submission).

gnomAD v4.1: 6 of 1,613,734 alleles (0.00037%); highest among the groups gnomAD compares: African/African-American, 0.0013%; no homozygotes.

Submission:

Labcorp Genetics (formerly Invitae), Labcorp
Classification: Uncertain significance. Last evaluated: 2022-12-30. Review status: criteria provided, single submitter. Criteria: Invitae Variant Classification Sherloc (09022015). Collection method: clinical testing. Allele origin: germline.
Comment: This variant has not been reported in the literature in individuals affected with CLCN6-related conditions. Algorithms developed to predict the effect of missense changes on protein structure and function are either unavailable or do not agree on the potential impact of this missense change (SIFT: "Deleterious"; PolyPhen-2: "Benign"; Align-GVGD: "Class C0"). In summary, the available evidence is currently insufficient to determine the role of this variant in disease. Therefore, it has been classified as a Variant of Uncertain Significance. This sequence change replaces arginine, which is basic and polar, with serine, which is neutral and polar, at codon 640 of the CLCN6 protein (p.Arg640Ser). This variant is present in population databases (rs770239210, gnomAD 0.004%).